The following is an entry in ClinVar:

ClinVar aggregate classification (germline): Pathogenic (1 of 4 stars; one submission).

Conditions:
Retinoblastoma (RB1). Also called: RETINOBLASTOMA, SOMATIC. Identifiers: Orphanet 790, MedGen C0035335, MeSH D012175, MONDO:0008380, OMIM 180200, HP:0009919. Disease mechanism: loss of function. Inheritance: Both sporadic and heritable forms are tested..

Submission:

Genetic Diagnostic Laboratory, University of Pennsylvania School of Medicine
Classification: Pathogenic for Retinoblastoma. Last evaluated: 2024-05-20. Review status: criteria provided, single submitter. Criteria: ACMG Guidelines, 2015. Collection method: clinical testing. Allele origin: germline. Affected: yes. Observed: 1 variant allele.
Comment: Case and Pedigree Information: BILATERAL CASES:1, UNILATERAL CASES:0, TOTAL CASES:1, PEDIGREES:1. ACMG Codes Applied:PVS1, PM2

NM_000321.3(RB1):c.501-1G>T

Gene: RB1 (RB transcriptional corepressor 1; plus strand). Cytogenetic location: 13q14.2.
Variant type: single nucleotide variant.
Coding change: c.501-1G>T on transcript NM_000321.3 (MANE Select); the canonical splice acceptor site of the intron before coding-DNA position 501, G replaced by T.
Molecular consequence: splice acceptor variant.
Genome position (GRCh38, 1-based): chr13:48,347,824, G>T. VCF-style: chr13-48347824-G-T. GRCh37 (hg19) VCF-style: chr13-48921960-G-T.
Other names: c.501-1G>T (NM_001407165.1, NM_001407166.1).
Identifiers: ClinVar variation 3237132 (VCV003237132.1), dbSNP rs2542163576.
Genomic context (GRCh38, chr13:48,347,824, plus strand): 5'-AACTACTATGACTTCTAAATTACGAAAAAATGTTAAAAAGTCATAATGTTTTTCTTTTCA[G>T]GACATGTGAACTTATATATTTGACACAACCCAGCAGTTCGTAAGTAGTTCACAGAATGTT-3'